The following is an entry in ClinVar:

NM_001278116.2(L1CAM):c.2251C>T (p.Arg751Cys)

Gene: L1CAM (L1 cell adhesion molecule; minus strand). Cytogenetic location: Xq28.
Variant type: single nucleotide variant.
Coding change: c.2251C>T on transcript NM_001278116.2 (MANE Select); coding-DNA position 2251, C replaced by T.
Protein change: p.Arg751Cys; replaces arginine 751 with cysteine.
Molecular consequence: missense variant.
Genome position (GRCh38, 1-based): chrX:153,866,829, G>A on the plus strand (C>T on the coding strand, the complement: L1CAM is on the minus strand). VCF-style: chrX-153866829-G-A. GRCh37 (hg19) VCF-style: chrX-153132284-G-A.
Other names: c.2251C>T, p.Arg751Cys (NM_000425.5, NM_024003.3); c.2236C>T, p.Arg746Cys (NM_001143963.2); short protein forms R746C, R751C.
Identifiers: ClinVar variation 4686805 (VCV004686805.1).
Genomic context (GRCh38, chrX:153,866,829, plus strand): 5'-GGTCGCTGACAATCTGCTCCTGCCAGGGCCCTCGTGTCCCCTGAGGGCGCCACTGCACGC[G>A]GTACTGAACCTGGGGGGCGTTCCAGTCCATCCACCGGAGCGGCTGGAGGAGGCCAGCAGA-3'
Protein context (NP_001265045.1, residues 741-761): MDWNAPQVQY[Arg751Cys]VQWRPQGTRG

ClinVar aggregate classification (germline): Uncertain significance (1 of 4 stars; one submission).

gnomAD v4.1: 1 of 1,211,550 alleles (0.000083%); highest among the groups gnomAD compares: Non-Finnish European, 0.00011%; no homozygotes.

Submission:

GeneDx
Classification: Uncertain significance. Last evaluated: 2025-07-16. Review status: criteria provided, single submitter. Criteria: GeneDx Variant Classification Process June 2021. Collection method: clinical testing. Allele origin: germline. Affected: yes.
Comment: Not observed at significant frequency in large population cohorts (gnomAD); In silico analysis supports that this missense variant has a deleterious effect on protein structure/function; Has not been previously published as pathogenic or benign to our knowledge; This variant is associated with the following publications: (PMID: 25641508)